The following is an entry in ClinVar:

ClinVar aggregate classification (germline): Uncertain significance (1 of 4 stars; one submission).

Conditions:
Inborn genetic diseases. Identifiers: MedGen C0950123, MeSH D030342.

gnomAD v4.1: 1 of 1,614,142 alleles (0.000062%); highest among the groups gnomAD compares: Non-Finnish European, 0.000085%; no homozygotes.

Submission:

Ambry Genetics
Classification: Uncertain significance for Inborn genetic diseases. Last evaluated: 2025-03-28. Review status: criteria provided, single submitter. Criteria: Ambry Variant Classification Scheme 2023. Collection method: clinical testing. Allele origin: germline.
Comment: The p.E999K variant (also known as c.2995G>A), located in coding exon 13 of the BMPR2 gene, results from a G to A substitution at nucleotide position 2995. The glutamic acid at codon 999 is replaced by lysine, an amino acid with similar properties. This amino acid position is conserved. In addition, this alteration is predicted to be deleterious by in silico analysis. Based on the available evidence, the clinical significance of this variant remains unclear.

NM_001204.7(BMPR2):c.2995G>A (p.Glu999Lys)

Gene: BMPR2 (bone morphogenetic protein receptor type 2; plus strand). Cytogenetic location: 2q33.2.
Variant type: single nucleotide variant.
Coding change: c.2995G>A on transcript NM_001204.7 (MANE Select); coding-DNA position 2995, G replaced by A.
Protein change: p.Glu999Lys; replaces glutamic acid 999 with lysine.
Molecular consequence: missense variant.
Genome position (GRCh38, 1-based): chr2:202,559,824, G>A. VCF-style: chr2-202559824-G-A. GRCh37 (hg19) VCF-style: chr2-203424547-G-A.
Other names: short protein forms E999K.
Identifiers: ClinVar variation 3992073 (VCV003992073.1).